The following is an entry in ClinVar:

ClinVar aggregate classification (germline): Uncertain significance (1 of 4 stars; one submission).

Conditions:
Hereditary cancer-predisposing syndrome. Also called: Neoplastic Syndromes, Hereditary; Hereditary Cancer Syndrome; Hereditary neoplastic syndrome; Tumor predisposition. Identifiers: Orphanet 140162, MedGen C0027672, MeSH D009386, MONDO:0015356.

Submission:

Ambry Genetics
Classification: Uncertain significance for Hereditary cancer-predisposing syndrome. Last evaluated: 2023-03-23. Review status: criteria provided, single submitter. Criteria: Ambry Variant Classification Scheme 2023. Collection method: clinical testing. Allele origin: germline.
Comment: The p.Y254H variant (also known as c.760T>C), located in coding exon 4 of the MSH3 gene, results from a T to C substitution at nucleotide position 760. The tyrosine at codon 254 is replaced by histidine, an amino acid with similar properties. This amino acid position is conserved. In addition, this alteration is predicted to be deleterious by in silico analysis. Since supporting evidence is limited at this time, the clinical significance of this alteration remains unclear.

NM_002439.5(MSH3):c.760T>C (p.Tyr254His)

Gene: MSH3 (mutS homolog 3; plus strand). Cytogenetic location: 5q14.1.
Variant type: single nucleotide variant.
Coding change: c.760T>C on transcript NM_002439.5 (MANE Select); coding-DNA position 760, T replaced by C.
Protein change: p.Tyr254His; replaces tyrosine 254 with histidine.
Molecular consequence: missense variant.
Genome position (GRCh38, 1-based): chr5:80,670,277, T>C. VCF-style: chr5-80670277-T-C. GRCh37 (hg19) VCF-style: chr5-79966096-T-C.
Other names: short protein forms Y254H.
Identifiers: ClinVar variation 2565637 (VCV002565637.2), dbSNP rs2546721220, ClinGen allele CA360266960.